The following is an entry in ClinVar:

NM_001458.5(FLNC):c.3920A>G (p.Asn1307Ser)

Gene: FLNC (filamin C; plus strand). Cytogenetic location: 7q32.1.
Variant type: single nucleotide variant.
Coding change: c.3920A>G on transcript NM_001458.5 (MANE Select); coding-DNA position 3920, A replaced by G.
Protein change: p.Asn1307Ser; replaces asparagine 1307 with serine.
Molecular consequence: missense variant.
Genome position (GRCh38, 1-based): chr7:128,846,119, A>G. VCF-style: chr7-128846119-A-G. GRCh37 (hg19) VCF-style: chr7-128486173-A-G.
Other names: c.3920A>G, p.Asn1307Ser (NM_001127487.2); short protein forms N1307S.
Identifiers: ClinVar variation 2441510 (VCV002441510.7), dbSNP rs1266842958, ClinGen allele CA369198732.

ClinVar aggregate classification (germline): Uncertain significance. Review status: criteria provided, multiple submitters, no conflicts (2 of 4 stars). 3 submissions from 3 submitters: Uncertain significance (3). Last evaluated 2025-01-20.

Conditions:
Cardiovascular phenotype. Identifiers: MedGen CN230736.
Myofibrillar myopathy 5. Also called: Filaminopathy (type); FILAMINOPATHY, AUTOSOMAL DOMINANT. Identifiers: Orphanet 171445, MedGen C1836050, MONDO:0012289, OMIM 609524.
Distal myopathy with posterior leg and anterior hand involvement. Also called: WILLIAMS DISTAL MYOPATHY. Identifiers: Orphanet 63273, MedGen C3279722, MONDO:0013550, OMIM 614065.
Hypertrophic cardiomyopathy 26. Also called: Cardiomyopathy, familial hypertrophic, 26. Identifiers: Orphanet 75249, MedGen C4310749, MONDO:0014883, OMIM 617047.

Allele frequency attached by ClinVar (database versions not stated): gnomAD exomes below 0.00001.
gnomAD v4.1: 1 of 1,613,924 alleles (0.000062%); highest among the groups gnomAD compares: Non-Finnish European, 0.000085%; no homozygotes.

Submissions (3):

Labcorp Genetics (formerly Invitae), Labcorp
Classification: Uncertain significance for Distal myopathy with posterior leg and anterior hand involvement; Myofibrillar myopathy 5; Hypertrophic cardiomyopathy 26. Last evaluated: 2025-01-20. Review status: criteria provided, single submitter. Criteria: Invitae Variant Classification Sherloc (09022015). Collection method: clinical testing. Allele origin: germline.
Comment: This sequence change replaces asparagine, which is neutral and polar, with serine, which is neutral and polar, at codon 1307 of the FLNC protein (p.Asn1307Ser). This variant is present in population databases (no rsID available, gnomAD 0.0009%). This variant has not been reported in the literature in individuals affected with FLNC-related conditions. ClinVar contains an entry for this variant (Variation ID: 2441510). Invitae Evidence Modeling of protein sequence and biophysical properties (such as structural, functional, and spatial information, amino acid conservation, physicochemical variation, residue mobility, and thermodynamic stability) has been performed for this missense variant. However, the output from this modeling did not meet the statistical confidence thresholds required to predict the impact of this variant on FLNC protein function. In summary, the available evidence is currently insufficient to determine the role of this variant in disease. Therefore, it has been classified as a Variant of Uncertain Significance.

Ambry Genetics
Classification: Uncertain significance for Cardiovascular phenotype. Last evaluated: 2024-08-12. Review status: criteria provided, single submitter. Criteria: Ambry Variant Classification Scheme 2023. Collection method: clinical testing. Allele origin: germline.
Comment: The p.N1307S variant (also known as c.3920A>G), located in coding exon 22 of the FLNC gene, results from an A to G substitution at nucleotide position 3920. The asparagine at codon 1307 is replaced by serine, an amino acid with highly similar properties. This amino acid position is conserved. In addition, this alteration is predicted to be tolerated by in silico analysis. Based on the available evidence, the clinical significance of this variant remains unclear.

Revvity Omics, Revvity
Classification: Uncertain significance. Last evaluated: 2019-08-13. Review status: criteria provided, single submitter. Criteria: ACMG Guidelines, 2015. Collection method: clinical testing. Allele origin: germline.